The following is an entry in ClinVar:

ClinVar aggregate classification (germline): Uncertain significance (1 of 4 stars; one submission).

Conditions:
Meckel-Gruber syndrome. Also called: Dysencephalia splachnocystica; DYSENCEPHALIA SPLANCHNOCYSTICA; GRUBER SYNDROME. Identifiers: Orphanet 564, MedGen C0265215, MONDO:0018921.
Joubert syndrome. Also called: Familial aplasia of the vermis; JOUBERT-BOLTSHAUSER SYNDROME. Identifiers: Orphanet 475, MedGen C5979921, MONDO:0018772.

Allele frequency attached by ClinVar (database versions not stated): gnomAD below 0.00001 and 0.00001; gnomAD exomes 0.00002 and 0.00005; ExAC 0.00015.
gnomAD v4.1: 28 of 1,551,416 alleles (0.0018%); highest among the groups gnomAD compares: Middle Eastern, 0.017%; no homozygotes.

Submission:

Labcorp Genetics (formerly Invitae), Labcorp
Classification: Uncertain significance for Joubert syndrome; Meckel-Gruber syndrome. Last evaluated: 2021-09-01. Review status: criteria provided, single submitter. Criteria: Invitae Variant Classification Sherloc (09022015). Collection method: clinical testing. Allele origin: germline.
Comment: This sequence change replaces arginine with glutamine at codon 1230 of the CC2D2A protein (p.Arg1230Gln). The arginine residue is moderately conserved and there is a small physicochemical difference between arginine and glutamine. This variant is present in population databases (rs778082588, ExAC 0.03%). This variant has not been reported in the literature in individuals affected with CC2D2A-related conditions. Algorithms developed to predict the effect of missense changes on protein structure and function output the following: SIFT: "Tolerated"; PolyPhen-2: "Benign"; Align-GVGD: "Class C0". The glutamine amino acid residue is found in multiple mammalian species, which suggests that this missense change does not adversely affect protein function. In summary, the available evidence is currently insufficient to determine the role of this variant in disease. Therefore, it has been classified as a Variant of Uncertain Significance.

NM_001378615.1(CC2D2A):c.3689G>A (p.Arg1230Gln)

Genes: CC2D2A (coiled-coil and C2 domain containing 2A; plus strand), FBXL5 (F-box and leucine rich repeat protein 5; minus strand). Cytogenetic location: 4p15.32.
Variant type: single nucleotide variant.
Coding change: c.3689G>A on transcript NM_001378615.1 (MANE Select); coding-DNA position 3689, G replaced by A.
Protein change: p.Arg1230Gln; replaces arginine 1230 with glutamine.
Molecular consequence: missense variant.
Genome position (GRCh38, 1-based): chr4:15,574,244, G>A. VCF-style: chr4-15574244-G-A. GRCh37 (hg19) VCF-style: chr4-15575867-G-A.
Other names: c.3689G>A, p.Arg1230Gln (NM_001080522.2); c.3542G>A, p.Arg1181Gln (NM_001378617.1); short protein forms R1230Q, R1181Q.
Identifiers: ClinVar variation 461751 (VCV000461751.7), dbSNP rs778082588, ClinGen allele CA2864222.